The following is an entry in ClinVar:

NM_001278512.2(AP3B2):c.1490T>A (p.Val497Glu)

Genes: AP3B2 (adaptor related protein complex 3 subunit beta 2; minus strand), CPEB1-AS1 (CPEB1 antisense RNA 1; plus strand). Cytogenetic location: 15q25.2.
Variant type: single nucleotide variant.
Coding change: c.1490T>A on transcript NM_001278512.2 (MANE Select); coding-DNA position 1490, T replaced by A.
Protein change: p.Val497Glu; replaces valine 497 with glutamic acid.
Molecular consequence: missense variant.
Genome position (GRCh38, 1-based): chr15:82,676,636, A>T on the plus strand (T>A on the coding strand, the complement: AP3B2 is on the minus strand). VCF-style: chr15-82676636-A-T. GRCh37 (hg19) VCF-style: chr15-83345388-A-T.
Other names: c.1394T>A, p.Val465Glu (NM_001278511.2); c.1490T>A, p.Val497Glu (NM_004644.5); short protein forms V497E, V465E.
Identifiers: ClinVar variation 1997146 (VCV001997146.4), dbSNP rs2048246443, ClinGen allele CA393315603.

ClinVar aggregate classification (germline): Uncertain significance (1 of 4 stars; one submission).

Allele frequency attached by ClinVar (database versions not stated): gnomAD 0.00001; TOPMed 0.00001.
gnomAD v4.1: 1 of 1,613,544 alleles (0.000062%); highest among the groups gnomAD compares: Admixed American, 0.0017%; no homozygotes.

Submission:

Labcorp Genetics (formerly Invitae), Labcorp
Classification: Uncertain significance. Last evaluated: 2022-07-15. Review status: criteria provided, single submitter. Criteria: Invitae Variant Classification Sherloc (09022015). Collection method: clinical testing. Allele origin: germline.
Comment: This sequence change replaces valine, which is neutral and non-polar, with glutamic acid, which is acidic and polar, at codon 497 of the AP3B2 protein (p.Val497Glu). In summary, the available evidence is currently insufficient to determine the role of this variant in disease. Therefore, it has been classified as a Variant of Uncertain Significance. Algorithms developed to predict the effect of sequence changes on RNA splicing suggest that this variant may create or strengthen a splice site. Algorithms developed to predict the effect of missense changes on protein structure and function are either unavailable or do not agree on the potential impact of this missense change (SIFT: "Deleterious"; PolyPhen-2: "Benign"; Align-GVGD: "Class C15"). This variant has not been reported in the literature in individuals affected with AP3B2-related conditions. This variant is not present in population databases (gnomAD no frequency).